The following is an entry in ClinVar:

ClinVar aggregate classification (germline): Uncertain significance (1 of 4 stars; one submission).

Conditions:
Duchenne muscular dystrophy (DMD). Also called: MUSCULAR DYSTROPHY, PSEUDOHYPERTROPHIC PROGRESSIVE, DUCHENNE TYPE; Duchenne Muscular Dystrophy (DMD). Identifiers: Orphanet 98896, MedGen C0013264, MONDO:0010679, OMIM 310200.

Allele frequency attached by ClinVar (database versions not stated): gnomAD exomes below 0.00001 and 0.00001; ExAC 0.00001.
gnomAD v4.1: 1 of 1,204,502 alleles (0.000083%); highest among the groups gnomAD compares: Non-Finnish European, 0.00011%; no homozygotes.

Submission:

Labcorp Genetics (formerly Invitae), Labcorp
Classification: Uncertain significance for Duchenne muscular dystrophy. Last evaluated: 2020-10-09. Review status: criteria provided, single submitter. Criteria: Invitae Variant Classification Sherloc (09022015). Collection method: clinical testing. Allele origin: germline.
Comment: In summary, the available evidence is currently insufficient to determine the role of this variant in disease. Therefore, it has been classified as a Variant of Uncertain Significance. Algorithms developed to predict the effect of missense changes on protein structure and function (SIFT, PolyPhen-2, Align-GVGD) all suggest that this variant is likely to be tolerated, but these predictions have not been confirmed by published functional studies and their clinical significance is uncertain. This variant has not been reported in the literature in individuals with DMD-related conditions. The frequency data for this variant in the population databases is considered unreliable, as metrics indicate poor data quality at this position in the ExAC database. This sequence change replaces arginine with isoleucine at codon 447 of the DMD protein (p.Arg447Ile). The arginine residue is weakly conserved and there is a moderate physicochemical difference between arginine and isoleucine.

NM_004006.3(DMD):c.1340G>T (p.Arg447Ile)

Gene: DMD (dystrophin; minus strand). Cytogenetic location: Xp21.1.
Variant type: single nucleotide variant.
Coding change: c.1340G>T on transcript NM_004006.3 (MANE Select); coding-DNA position 1340, G replaced by T.
Protein change: p.Arg447Ile; replaces arginine 447 with isoleucine.
Molecular consequence: missense variant.
Genome position (GRCh38, 1-based): chrX:32,614,445, C>A on the plus strand (G>T on the coding strand, the complement: DMD is on the minus strand). VCF-style: chrX-32614445-C-A. GRCh37 (hg19) VCF-style: chrX-32632562-C-A.
Other names: c.1316G>T, p.Arg439Ile (NM_000109.4); c.1328G>T, p.Arg443Ile (NM_004009.3); c.971G>T, p.Arg324Ile (NM_004010.3); short protein forms R324I, R439I, R443I, R447I.
Identifiers: ClinVar variation 1024928 (VCV001024928.9), dbSNP rs766841315, ClinGen allele CA10379872.